The following is an entry in ClinVar:

ClinVar aggregate classification (germline): Uncertain significance. Review status: criteria provided, multiple submitters, no conflicts (2 of 4 stars). 2 submissions from 2 submitters: Uncertain significance (2). Last evaluated 2023-06-22.

Conditions:
Hypertrophic cardiomyopathy. Also called: HYPERTROPHIC MYOCARDIOPATHY. Identifiers: Orphanet 217569, MedGen C0007194, MeSH D002312, MONDO:0005045, HP:0001639.

Allele frequency attached by ClinVar (database versions not stated): ExAC 0.00001; TOPMed 0.00002; gnomAD 0.00001.

Submissions (2):

Ambry Genetics
Classification: Uncertain significance. Last evaluated: 2023-06-22. Review status: criteria provided, single submitter. Criteria: Ambry Variant Classification Scheme 2023. Collection method: clinical testing. Allele origin: germline.
Comment: The p.S362L variant (also known as c.1085C>T), located in coding exon 6 of the MYOM1 gene, results from a C to T substitution at nucleotide position 1085. The serine at codon 362 is replaced by leucine, an amino acid with dissimilar properties. This amino acid position is conserved. In addition, the in silico prediction for this alteration is inconclusive. Since supporting evidence is limited at this time, the clinical significance of this alteration remains unclear.

Labcorp Genetics (formerly Invitae), Labcorp
Classification: Uncertain significance for Hypertrophic cardiomyopathy. Last evaluated: 2023-06-21. Review status: criteria provided, single submitter. Criteria: Invitae Variant Classification Sherloc (09022015). Collection method: clinical testing. Allele origin: germline.
Comment: This sequence change replaces serine, which is neutral and polar, with leucine, which is neutral and non-polar, at codon 362 of the MYOM1 protein (p.Ser362Leu). This variant is present in population databases (rs751710796, gnomAD 0.006%). In summary, the available evidence is currently insufficient to determine the role of this variant in disease. Therefore, it has been classified as a Variant of Uncertain Significance. Advanced modeling of protein sequence and biophysical properties (such as structural, functional, and spatial information, amino acid conservation, physicochemical variation, residue mobility, and thermodynamic stability) performed at Invitae indicates that this missense variant is not expected to disrupt MYOM1 protein function. ClinVar contains an entry for this variant (Variation ID: 2044418). This variant has not been reported in the literature in individuals affected with MYOM1-related conditions.

NM_003803.4(MYOM1):c.1085C>T (p.Ser362Leu)

Gene: MYOM1 (myomesin 1; minus strand). Cytogenetic location: 18p11.31.
Variant type: single nucleotide variant.
Coding change: c.1085C>T on transcript NM_003803.4 (MANE Select); coding-DNA position 1085, C replaced by T.
Protein change: p.Ser362Leu; replaces serine 362 with leucine.
Molecular consequence: missense variant.
Genome position (GRCh38, 1-based): chr18:3,174,146, G>A on the plus strand (C>T on the coding strand, the complement: MYOM1 is on the minus strand). VCF-style: chr18-3174146-G-A. GRCh37 (hg19) VCF-style: chr18-3174144-G-A.
Other names: c.1085C>T, p.Ser362Leu (NM_019856.2); short protein forms S362L.
Identifiers: ClinVar variation 2044418 (VCV002044418.6), dbSNP rs751710796, ClinGen allele CA8875071.